The following is an entry in ClinVar:

ClinVar aggregate classification (germline): Uncertain significance (1 of 4 stars; one submission).

Submission:

GeneDx
Classification: Uncertain significance. Last evaluated: 2024-08-01. Review status: criteria provided, single submitter. Criteria: GeneDx Variant Classification Process June 2021. Collection method: clinical testing. Allele origin: germline. Affected: yes.
Comment: Not observed at significant frequency in large population cohorts (gnomAD); In silico analysis supports that this missense variant has a deleterious effect on protein structure/function; Has not been previously published as pathogenic or benign to our knowledge

NM_014334.4(FRRS1L):c.683T>C (p.Leu228Pro)

Gene: FRRS1L (ferric chelate reductase 1 like; minus strand). Cytogenetic location: 9q31.3.
Variant type: single nucleotide variant.
Coding change: c.683T>C on transcript NM_014334.4 (MANE Select); coding-DNA position 683, T replaced by C.
Protein change: p.Leu228Pro; replaces leucine 228 with proline.
Molecular consequence: missense variant.
Genome position (GRCh38, 1-based): chr9:109,141,369, A>G on the plus strand (T>C on the coding strand, the complement: FRRS1L is on the minus strand). VCF-style: chr9-109141369-A-G. GRCh37 (hg19) VCF-style: chr9-111903649-A-G.
Other names: short protein forms L228P.
Identifiers: ClinVar variation 3774616 (VCV003774616.1).